The following is an entry in ClinVar:

ClinVar aggregate classification (germline): Pathogenic (0 of 4 stars; one submission).

Conditions:
Atypical Rett syndrome. Also called: Variant Rett Syndrome; Rett like syndrome. Identifiers: Orphanet 3095, MedGen C2748910, MONDO:0017746.

Submission:

RettBASE
Classification: Pathogenic for Atypical Rett syndrome. Last evaluated: 2014-03-13. Review status: no assertion criteria provided. Collection method: curation. Allele origin: de novo. Affected: yes. Observed: 1 variant allele.
Comment: Bahi-Buisson et al 2008 showed mislocalisation of protein

Literature cited by the submitters: PubMed 18790821.

NM_003159.2(CDKL5):c.2045_2046delAGins18 (p.?)

Gene: CDKL5 (cyclin dependent kinase like 5; plus strand). Cytogenetic location: Xp22.13.
Variant type: Indel.
Coding change: c.2045_2046delAGins18 on transcript NM_003159.2; coding-DNA positions 2045 to 2046, 2 bases deleted.
Protein change: p.?.
Identifiers: ClinVar variation 143794 (VCV000143794.2).